The following is an entry in ClinVar:

ClinVar aggregate classification (germline): Uncertain significance (1 of 4 stars; one submission).

Allele frequency attached by ClinVar (database versions not stated): gnomAD exomes below 0.00001; TOPMed below 0.00001; ExAC 0.00001; gnomAD 0.00001.
gnomAD v4.1: 4 of 1,613,786 alleles (0.00025%); highest among the groups gnomAD compares: Admixed American, 0.0017%; no homozygotes.

Submission:

Labcorp Genetics (formerly Invitae), Labcorp
Classification: Uncertain significance. Last evaluated: 2024-07-16. Review status: criteria provided, single submitter. Criteria: Invitae Variant Classification Sherloc (09022015). Collection method: clinical testing. Allele origin: germline.
Comment: This sequence change replaces arginine, which is basic and polar, with cysteine, which is neutral and slightly polar, at codon 1230 of the CLTC protein (p.Arg1230Cys). This variant is present in population databases (rs755485844, gnomAD 0.0009%). This variant has not been reported in the literature in individuals affected with CLTC-related conditions. Advanced modeling of protein sequence and biophysical properties (such as structural, functional, and spatial information, amino acid conservation, physicochemical variation, residue mobility, and thermodynamic stability) performed at Invitae indicates that this missense variant is not expected to disrupt CLTC protein function with a negative predictive value of 80%. In summary, the available evidence is currently insufficient to determine the role of this variant in disease. Therefore, it has been classified as a Variant of Uncertain Significance.

NM_004859.4(CLTC):c.3676C>T (p.Arg1226Cys)

Gene: CLTC (clathrin heavy chain; plus strand). Cytogenetic location: 17q23.1.
Variant type: single nucleotide variant.
Coding change: c.3676C>T on transcript NM_004859.4 (MANE Select); coding-DNA position 3676, C replaced by T.
Protein change: p.Arg1226Cys; replaces arginine 1226 with cysteine.
Molecular consequence: missense variant.
Genome position (GRCh38, 1-based): chr17:59,682,704, C>T. VCF-style: chr17-59682704-C-T. GRCh37 (hg19) VCF-style: chr17-57760065-C-T.
Other names: c.3688C>T, p.Arg1230Cys (NM_001288653.2); short protein forms R1230C, R1226C.
Identifiers: ClinVar variation 2974371 (VCV002974371.3), dbSNP rs755485844, ClinGen allele CA8681641.